The following is an entry in ClinVar:

ClinVar aggregate classification (germline): Uncertain significance (1 of 4 stars; one submission).

Conditions:
Hereditary cancer-predisposing syndrome. Also called: Neoplastic Syndromes, Hereditary; Tumor predisposition; Hereditary Cancer Syndrome; Hereditary neoplastic syndrome. Identifiers: Orphanet 140162, MedGen C0027672, MeSH D009386, MONDO:0015356.

Submission:

Ambry Genetics
Classification: Uncertain significance for Hereditary cancer-predisposing syndrome. Last evaluated: 2025-10-23. Review status: criteria provided, single submitter. Criteria: Ambry Variant Classification Scheme 2023. Collection method: clinical testing. Allele origin: germline.
Comment: The p.N198D variant (also known as c.592A>G), located in coding exon 6 of the EPCAM gene, results from an A to G substitution at nucleotide position 592. The asparagine at codon 198 is replaced by aspartic acid, an amino acid with highly similar properties. This amino acid position is conserved. In addition, this alteration is predicted to be tolerated by in silico analysis. Based on the available evidence, the clinical significance of this variant remains unclear.

NM_002354.3(EPCAM):c.592A>G (p.Asn198Asp)

Gene: EPCAM (epithelial cell adhesion molecule; plus strand). Cytogenetic location: 2p21.
Variant type: single nucleotide variant.
Coding change: c.592A>G on transcript NM_002354.3 (MANE Select); coding-DNA position 592, A replaced by G.
Protein change: p.Asn198Asp; replaces asparagine 198 with aspartic acid.
Molecular consequence: missense variant.
Genome position (GRCh38, 1-based): chr2:47,378,989, A>G. VCF-style: chr2-47378989-A-G. GRCh37 (hg19) VCF-style: chr2-47606128-A-G.
Other names: short protein forms N198D.
Identifiers: ClinVar variation 4640441 (VCV004640441.1).